The following is an entry in ClinVar:

NM_032447.5(FBN3):c.8023G>A (p.Glu2675Lys)

Gene: FBN3 (fibrillin 3; minus strand). Cytogenetic location: 19p13.2.
Variant type: single nucleotide variant.
Coding change: c.8023G>A on transcript NM_032447.5 (MANE Select); coding-DNA position 8023, G replaced by A.
Protein change: p.Glu2675Lys; replaces glutamic acid 2675 with lysine.
Molecular consequence: missense variant.
Genome position (GRCh38, 1-based): chr19:8,072,113, C>T on the plus strand (G>A on the coding strand, the complement: FBN3 is on the minus strand). VCF-style: chr19-8072113-C-T. GRCh37 (hg19) VCF-style: chr19-8136997-C-T.
Other names: c.8023G>A, p.Glu2675Lys (NM_001321431.2); short protein forms E2675K.
Identifiers: ClinVar variation 2386912 (VCV002386912.4), dbSNP rs771221042, ClinGen allele CA9150657.
Genomic context (GRCh38, chr19:8,072,113, plus strand): 5'-GGTCCCTGTGGGCACTGCGTCGTGGCCGGTCCCGAGGGGAGAGGCCATTGATCTTGCATT[C>T]GTAGCAGGCTTCAGACGAGAGCAGCTCCTCTTTGTCCGGGGTGTCCTGGGGTCCGGGGCT-3'
Protein context (NP_115823.3, residues 2665-2685): EELLSSEACY[Glu2675Lys]CKINGLSPRD

ClinVar aggregate classification (germline): Uncertain significance. Review status: criteria provided, multiple submitters, no conflicts (2 of 4 stars). 2 submissions from 2 submitters: Uncertain significance (2). Last evaluated 2024-08-16.

Allele frequency attached by ClinVar (database versions not stated): gnomAD 0.00005; gnomAD exomes 0.00005; TOPMed 0.00007; ExAC 0.00019.
gnomAD v4.1: 73 of 1,611,936 alleles (0.0045%); highest among the groups gnomAD compares: Admixed American, 0.04%; no homozygotes.

Submissions (2):

Labcorp Genetics (formerly Invitae), Labcorp
Classification: Uncertain significance. Last evaluated: 2024-08-16. Review status: criteria provided, single submitter. Criteria: Invitae Variant Classification Sherloc (09022015). Collection method: clinical testing. Allele origin: germline.
Comment: This sequence change replaces glutamic acid, which is acidic and polar, with lysine, which is basic and polar, at codon 2675 of the FBN3 protein (p.Glu2675Lys). This variant is present in population databases (rs771221042, gnomAD 0.09%), and has an allele count higher than expected for a pathogenic variant. This variant has not been reported in the literature in individuals affected with FBN3-related conditions. ClinVar contains an entry for this variant (Variation ID: 2386912). Invitae Evidence Modeling of protein sequence and biophysical properties (such as structural, functional, and spatial information, amino acid conservation, physicochemical variation, residue mobility, and thermodynamic stability) indicates that this missense variant is not expected to disrupt FBN3 protein function with a negative predictive value of 80%. In summary, the available evidence is currently insufficient to determine the role of this variant in disease. Therefore, it has been classified as a Variant of Uncertain Significance.

Ambry Genetics
Classification: Uncertain significance. Last evaluated: 2021-07-09. Review status: criteria provided, single submitter. Criteria: Ambry Variant Classification Scheme 2023. Collection method: clinical testing. Allele origin: germline.